The following is an entry in ClinVar:

NM_003611.3(OFD1):c.1237G>T (p.Val413Phe)

Gene: OFD1 (OFD1 centriole and centriolar satellite protein; plus strand). Cytogenetic location: Xp22.2.
Variant type: single nucleotide variant.
Coding change: c.1237G>T on transcript NM_003611.3 (MANE Select); coding-DNA position 1237, G replaced by T.
Protein change: p.Val413Phe; replaces valine 413 with phenylalanine.
Molecular consequence: missense variant.
Genome position (GRCh38, 1-based): chrX:13,756,593, G>T. VCF-style: chrX-13756593-G-T. GRCh37 (hg19) VCF-style: chrX-13774712-G-T.
Other names: c.1117G>T, p.Val373Phe (NM_001330209.2); c.817G>T, p.Val273Phe (NM_001330210.2); short protein forms V273F, V373F, V413F.
Identifiers: ClinVar variation 1509307 (VCV001509307.6), dbSNP rs2147026202, ClinGen allele CA412342518.

ClinVar aggregate classification (germline): Uncertain significance (1 of 4 stars; one submission).

Conditions:
Joubert syndrome. Also called: CEREBELLOPARENCHYMAL DISORDER IV; JOUBERT-BOLTSHAUSER SYNDROME; Familial aplasia of the vermis. Identifiers: Orphanet 475, MedGen C5979921, MONDO:0018772.
Orofaciodigital syndrome I (OFD1). Also called: OFDS I; Papillon-Leage and Psaume Syndrome; Oral-Facial-Digital Syndrome Type I. Identifiers: Orphanet 2750, MedGen C1510460, MONDO:0010702, OMIM 311200.

Submission:

Labcorp Genetics (formerly Invitae), Labcorp
Classification: Uncertain significance for Orofaciodigital syndrome I; Joubert syndrome. Last evaluated: 2023-11-14. Review status: criteria provided, single submitter. Criteria: Invitae Variant Classification Sherloc (09022015). Collection method: clinical testing. Allele origin: germline.
Comment: This sequence change replaces valine, which is neutral and non-polar, with phenylalanine, which is neutral and non-polar, at codon 413 of the OFD1 protein (p.Val413Phe). This variant is not present in population databases (gnomAD no frequency). This variant has not been reported in the literature in individuals affected with OFD1-related conditions. ClinVar contains an entry for this variant (Variation ID: 1509307). Advanced modeling of protein sequence and biophysical properties (such as structural, functional, and spatial information, amino acid conservation, physicochemical variation, residue mobility, and thermodynamic stability) performed at Invitae indicates that this missense variant is not expected to disrupt OFD1 protein function with a negative predictive value of 80%. In summary, the available evidence is currently insufficient to determine the role of this variant in disease. Therefore, it has been classified as a Variant of Uncertain Significance.